The following is an entry in ClinVar:

NM_138638.5(CFL2):c.311+45TAT[2]

Gene: CFL2 (cofilin 2; minus strand). Cytogenetic location: 14q13.1.
Variant type: Microsatellite.
Coding change: c.311+45TAT[2] on transcript NM_138638.5 (MANE Select); two copies in a row of the 3-base unit TAT starting at c.311+45; the reference has three copies in a row; one copy, 3 bases deleted.
Molecular consequence: intron variant.
Genome position (GRCh38, 1-based): chr14:34,713,201-34,713,203, ATA deleted on the plus strand (TAT on the coding strand, the reverse complement: CFL2 is on the minus strand); deleting any 3 consecutive bases within chr14:34,713,201-34,713,211 gives the same sequence; the position shown is the placement nearest the transcript's 3' end. VCF-style (leftmost placement, unchanged base first): chr14-34713200-GATA-G. GRCh37 (hg19) VCF-style: chr14-35182406-GATA-G.
Other names: c.260+45TAT[2] (NM_001243645.2); c.311+45TAT[2] (NM_021914.8).
Identifiers: ClinVar variation 678927 (VCV000678927.1), dbSNP rs3835290, ClinGen allele CA258735180.

ClinVar aggregate classification (germline): Benign (1 of 4 stars; one submission).

Submission:

GeneDx
Classification: Benign. Last evaluated: 2018-06-14. Review status: criteria provided, single submitter. Criteria: GeneDx Variant Classification (06012015). Collection method: clinical testing. Allele origin: germline. Affected: yes.
Comment: This variant is considered likely benign or benign based on one or more of the following criteria: it is a conservative change, it occurs at a poorly conserved position in the protein, it is predicted to be benign by multiple in silico algorithms, and/or has population frequency not consistent with disease.